The following is an entry in ClinVar:

NM_001376.5(DYNC1H1):c.13283G>A (p.Arg4428His)

Gene: DYNC1H1 (dynein cytoplasmic 1 heavy chain 1; plus strand). Cytogenetic location: 14q32.31.
Variant type: single nucleotide variant.
Coding change: c.13283G>A on transcript NM_001376.5 (MANE Select); coding-DNA position 13283, G replaced by A.
Protein change: p.Arg4428His; replaces arginine 4428 with histidine.
Molecular consequence: missense variant.
Genome position (GRCh38, 1-based): chr14:102,048,580, G>A. VCF-style: chr14-102048580-G-A. GRCh37 (hg19) VCF-style: chr14-102514917-G-A.
Other names: short protein forms R4428H.
Identifiers: ClinVar variation 1770047 (VCV001770047.9), dbSNP rs762496944, ClinGen allele CA7354200.

ClinVar aggregate classification (germline): Conflicting classifications of pathogenicity. Review status: criteria provided, conflicting classifications (1 of 4 stars). 4 submissions from 4 submitters: Uncertain significance (2); Likely benign (2). Last evaluated 2026-01-02.

Conditions:
Inborn genetic diseases. Identifiers: MedGen C0950123, MeSH D030342.
Charcot-Marie-Tooth disease axonal type 2O. Also called: CHARCOT-MARIE-TOOTH NEUROPATHY, AXONAL, TYPE 2O; Charcot-Marie-Tooth disease, axonal, type 20; CHARCOT-MARIE-TOOTH DISEASE, AXONAL, AUTOSOMAL DOMINANT, TYPE 2O; Charcot-Marie-Tooth Neuropathy Type 2O. Identifiers: Orphanet 284232, MedGen C3280220, MONDO:0013644, OMIM 614228.
DYNC1H1-related disorder. Also called: DYNC1H1-related condition; DYNC1H1-related disorders. Identifiers: MedGen CN381529.

Allele frequency attached by ClinVar (database versions not stated): ExAC 0.00002; TOPMed 0.00002.
gnomAD v4.1: 15 of 1,614,188 alleles (0.00093%); highest among the groups gnomAD compares: East Asian, 0.0045%; no homozygotes.

Submissions (4):

Labcorp Genetics (formerly Invitae), Labcorp
Classification: Likely benign for Charcot-Marie-Tooth disease axonal type 2O. Last evaluated: 2026-01-02. Review status: criteria provided, single submitter. Criteria: Invitae Variant Classification Sherloc (09022015). Collection method: clinical testing. Allele origin: germline.

PreventionGenetics, part of Exact Sciences
Classification: Uncertain significance for DYNC1H1-related condition. Last evaluated: 2025-09-16. Review status: criteria provided, single submitter. Criteria: ACMG Guidelines, 2015. Collection method: clinical testing. Allele origin: germline.
Comment: The DYNC1H1 c.13283G>A variant is predicted to result in the amino acid substitution p.Arg4428His. To our knowledge, this variant has not been reported in the literature. This variant is reported in 0.0040% of alleles in individuals of European (Finnish) descent in gnomAD. At this time, the clinical significance of this variant is uncertain due to the absence of conclusive functional and genetic evidence.

Blueprint Genetics
Classification: Uncertain significance. Last evaluated: 2024-10-02. Review status: criteria provided, single submitter. Criteria: ACMG Guidelines, 2015. Collection method: clinical testing. Allele origin: germline.

Ambry Genetics
Classification: Likely benign for Inborn genetic diseases. Last evaluated: 2019-03-09. Review status: criteria provided, single submitter. Criteria: Ambry Variant Classification Scheme 2023. Collection method: clinical testing. Allele origin: germline.